The following is an entry in ClinVar:

ClinVar aggregate classification (germline): Uncertain significance (1 of 4 stars; one submission).

gnomAD v4.1: 1 of 1,609,128 alleles (0.000062%); highest among the groups gnomAD compares: Non-Finnish European, 0.000085%; no homozygotes.

Submission:

GeneDx
Classification: Uncertain significance. Last evaluated: 2023-11-07. Review status: criteria provided, single submitter. Criteria: GeneDx Variant Classification Process June 2021. Collection method: clinical testing. Allele origin: germline. Affected: yes.
Comment: Not observed at significant frequency in large population cohorts (gnomAD); In silico analysis supports that this missense variant has a deleterious effect on protein structure/function; Has not been previously published as pathogenic or benign to our knowledge

NM_003070.5(SMARCA2):c.2434C>T (p.Arg812Cys)

Gene: SMARCA2 (SWI/SNF related BAF chromatin remodeling complex subunit ATPase 2; plus strand). Cytogenetic location: 9p24.3.
Variant type: single nucleotide variant.
Coding change: c.2434C>T on transcript NM_003070.5 (MANE Select); coding-DNA position 2434, C replaced by T.
Protein change: p.Arg812Cys; replaces arginine 812 with cysteine.
Molecular consequence: missense variant.
Genome position (GRCh38, 1-based): chr9:2,084,104, C>T. VCF-style: chr9-2084104-C-T. GRCh37 (hg19) VCF-style: chr9-2084104-C-T.
Other names: c.2434C>T, p.Arg812Cys (NM_001289396.2, NM_001289397.2, NM_139045.4); short protein forms R812C.
Identifiers: ClinVar variation 3363788 (VCV003363788.1).
Genomic context (GRCh38, chr9:2,084,104, plus strand): 5'-ATGTCCATAGGATCATGCATGTATTTTTTTCTTTCCATTCAGGGTACTCCTGCCATGCGT[C>T]GCTCCCTTGTCCCCCAGCTACGGAGTGGCAAATTCAATGTCCTCTTGACTACTTATGAGT-3'
Protein context (NP_003061.3, residues 802-822): ISYKGTPAMR[Arg812Cys]SLVPQLRSGK